The following is an entry in ClinVar:

ClinVar aggregate classification (germline): Uncertain significance. Review status: criteria provided, multiple submitters, no conflicts (2 of 4 stars). 2 submissions from 2 submitters: Uncertain significance (2). Last evaluated 2025-04-01.

Conditions:
Hereditary cancer-predisposing syndrome. Also called: Hereditary neoplastic syndrome; Tumor predisposition; Neoplastic Syndromes, Hereditary; Hereditary Cancer Syndrome. Identifiers: Orphanet 140162, MedGen C0027672, MeSH D009386, MONDO:0015356.

Submissions (2):

Ambry Genetics
Classification: Uncertain significance for Hereditary cancer-predisposing syndrome. Last evaluated: 2025-04-01. Review status: criteria provided, single submitter. Criteria: Ambry Variant Classification Scheme 2023. Collection method: clinical testing. Allele origin: germline.
Comment: The p.A283S variant (also known as c.847G>T), located in coding exon 5 of the MSH3 gene, results from a G to T substitution at nucleotide position 847. The alanine at codon 283 is replaced by serine, an amino acid with similar properties. This amino acid position is conserved. In addition, the in silico prediction for this alteration is inconclusive. Based on the available evidence, the clinical significance of this variant remains unclear.

Labcorp Genetics (formerly Invitae), Labcorp
Classification: Uncertain significance. Last evaluated: 2024-04-02. Review status: criteria provided, single submitter. Criteria: Invitae Variant Classification Sherloc (09022015). Collection method: clinical testing. Allele origin: germline.
Comment: This sequence change replaces alanine, which is neutral and non-polar, with serine, which is neutral and polar, at codon 283 of the MSH3 protein (p.Ala283Ser). This variant is not present in population databases (gnomAD no frequency). This variant has not been reported in the literature in individuals affected with MSH3-related conditions. ClinVar contains an entry for this variant (Variation ID: 656561). An algorithm developed to predict the effect of missense changes on protein structure and function (PolyPhen-2) suggests that this variant is likely to be disruptive. In summary, the available evidence is currently insufficient to determine the role of this variant in disease. Therefore, it has been classified as a Variant of Uncertain Significance.

NM_002439.5(MSH3):c.847G>T (p.Ala283Ser)

Gene: MSH3 (mutS homolog 3; plus strand). Cytogenetic location: 5q14.1.
Variant type: single nucleotide variant.
Coding change: c.847G>T on transcript NM_002439.5 (MANE Select); coding-DNA position 847, G replaced by T.
Protein change: p.Ala283Ser; replaces alanine 283 with serine.
Molecular consequence: missense variant.
Genome position (GRCh38, 1-based): chr5:80,672,298, G>T. VCF-style: chr5-80672298-G-T. GRCh37 (hg19) VCF-style: chr5-79968117-G-T.
Other names: c.847G>T (NM_002439.3); short protein forms A283S.
Identifiers: ClinVar variation 656561 (VCV000656561.11), dbSNP rs1580551841, ClinGen allele CA360267172.